The following is an entry in ClinVar:

ClinVar aggregate classification (germline): Likely benign. Review status: criteria provided, multiple submitters, no conflicts (2 of 4 stars). 2 submissions from 2 submitters: Likely benign (2). Last evaluated 2025-11-01.

Conditions:
Giant axonal neuropathy 1 (GAN1). Also called: GIANT AXONAL NEUROPATHY 1, AUTOSOMAL RECESSIVE; GAN-Related Neurodegeneration. Identifiers: Orphanet 643, MedGen C1850386, MONDO:0009749, OMIM 256850.

Allele frequency attached by ClinVar (database versions not stated): ExAC 0.00003; gnomAD exomes 0.00003; ESP Exome Variant Server 0.00015; gnomAD 0.00022; TOPMed 0.00022.
gnomAD v4.1: 55 of 1,562,896 alleles (0.0035%); highest among the groups gnomAD compares: African/African-American, 0.062%; no homozygotes.

Submissions (2):

Labcorp Genetics (formerly Invitae), Labcorp
Classification: Likely benign for Giant axonal neuropathy 1. Last evaluated: 2025-11-01. Review status: criteria provided, single submitter. Criteria: Invitae Variant Classification Sherloc (09022015). Collection method: clinical testing. Allele origin: germline.

GeneDx
Classification: Likely benign. Last evaluated: 2017-11-07. Review status: criteria provided, single submitter. Criteria: GeneDx Variant Classification (06012015). Collection method: clinical testing. Allele origin: germline. Affected: yes.
Comment: This variant is considered likely benign or benign based on one or more of the following criteria: it is a conservative change, it occurs at a poorly conserved position in the protein, it is predicted to be benign by multiple in silico algorithms, and/or has population frequency not consistent with disease.

NM_022041.4(GAN):c.237G>A (p.Ser79=)

Gene: GAN (gigaxonin; plus strand). Cytogenetic location: 16q23.2.
Variant type: single nucleotide variant.
Coding change: c.237G>A on transcript NM_022041.4 (MANE Select); coding-DNA position 237, G replaced by A.
Protein change: p.Ser79=; no amino-acid change (serine 79 retained).
Molecular consequence: synonymous variant. On other transcripts: intron variant (1).
Genome position (GRCh38, 1-based): chr16:81,351,652, G>A. VCF-style: chr16-81351652-G-A. GRCh37 (hg19) VCF-style: chr16-81385257-G-A.
Other names: c.-357-2753G>A (NM_001377486.1).
Identifiers: ClinVar variation 513198 (VCV000513198.12), dbSNP rs144007114, ClinGen allele CA8191295.